The following is an entry in ClinVar:

ClinVar aggregate classification (germline): Pathogenic/Likely pathogenic. Review status: criteria provided, multiple submitters, no conflicts (2 of 4 stars). 8 submissions from 8 submitters: Pathogenic (2); Likely pathogenic (6). Last evaluated 2025-08-07.

Conditions:
Hereditary cancer-predisposing syndrome. Also called: Hereditary Cancer Syndrome; Tumor predisposition; Neoplastic Syndromes, Hereditary; Hereditary neoplastic syndrome. Identifiers: Orphanet 140162, MedGen C0027672, MeSH D009386, MONDO:0015356.
Familial cancer of breast. Also called: hereditary breast carcinoma; BREAST CANCER, FAMILIAL; Hereditary breast cancer. Identifiers: Orphanet 227535, MedGen C0346153, MONDO:0016419, OMIM 114480. Disease mechanism: loss of function.
Ataxia-telangiectasia syndrome (AT). Also called: ATAXIA-TELANGIECTASIA, COMPLEMENTATION GROUP A; ATAXIA-TELANGIECTASIA, FRESNO VARIANT; Ataxia-telangiectasia; Ataxia-telangiectasia, complementation group E; Cerebello-oculocutaneous telangiectasia; Immunodeficiency with ataxia telangiectasia. Identifiers: Orphanet 100, MedGen C0004135, MONDO:0008840, OMIM 208900.

Allele frequency attached by ClinVar (database versions not stated): ExAC 0.00001; gnomAD exomes 0.00001.
gnomAD v4.1: 7 of 1,613,958 alleles (0.00043%); highest among the groups gnomAD compares: Non-Finnish European, 0.00059%; no homozygotes.

Submissions (8):

Labcorp Genetics (formerly Invitae), Labcorp
Classification: Pathogenic for Ataxia-telangiectasia syndrome. Last evaluated: 2025-08-07. Review status: criteria provided, single submitter. Criteria: Invitae Variant Classification Sherloc (09022015). Collection method: clinical testing. Allele origin: germline.
Comment: This sequence change replaces glycine, which is neutral and non-polar, with serine, which is neutral and polar, at codon 2765 of the ATM protein (p.Gly2765Ser). This variant is present in population databases (rs748634900, gnomAD 0.002%). This missense change has been observed in individuals with ataxia-telangiectasia (PMID: 10534763, 19781682, 21792198, 37438524). ClinVar contains an entry for this variant (Variation ID: 186351). Invitae Evidence Modeling of protein sequence and biophysical properties (such as structural, functional, and spatial information, amino acid conservation, physicochemical variation, residue mobility, and thermodynamic stability) indicates that this missense variant is expected to disrupt ATM protein function with a positive predictive value of 95%. Experimental studies have shown that this missense change affects ATM function (PMID: 19431188, 21792198). For these reasons, this variant has been classified as Pathogenic.

Women's Health and Genetics/Laboratory Corporation of America, LabCorp
Classification: Likely pathogenic for Ataxia-telangiectasia syndrome. Last evaluated: 2025-05-02. Review status: criteria provided, single submitter. Criteria: LabCorp Variant Classification Summary - May 2015. Collection method: clinical testing. Allele origin: germline.
Comment: Variant summary: ATM c.8293G>A (p.Gly2765Ser) results in a non-conservative amino acid change located in the ATM, catalytic domain (IPR044107) of the encoded protein sequence. Algorithms developed to predict the effect of missense changes on protein structure and function all suggest that this variant is likely to be disruptive. The variant allele was found at a frequency of 7.9e-06 in 251598 control chromosomes. c.8293G>A has been reported in the literature in individuals affected Ataxia Telangectasia (A-T) as well as breast cancer patients, however segregation studies in a breast cancer family showed the variant to be absent in an affected grandmother, while the variant was present in two unaffected siblings (age at testing was not specified). This data indicate a lack of co-segregation of this variant with breast cancer in this family (Izatt_1999), although the effect of a limited penetrance, cannot be ruled out. Among the cohort of patients clinically diagnosed with A-T, this variant was seen in compound heterozygosity with other possibly pathogenic variants. Well controlled functional studies have shown the variant to lead to loss of ATM Kinase activity, while retaining almost complete ATM protein expression (Barone_2009, Reiman_2011). The following publications have been ascertained in the context of this evaluation (PMID: 19431188, 21787400, 10534763, 21792198, 19781682, 15928302). ClinVar contains an entry for this variant (Variation ID: 186351). Based on the evidence outlined above, the variant was classified as likely pathogenic.

Ambry Genetics
Classification: Pathogenic for Hereditary cancer-predisposing syndrome. Last evaluated: 2024-11-19. Review status: criteria provided, single submitter. Criteria: Ambry Variant Classification Scheme 2023. Collection method: clinical testing. Allele origin: germline.
Comment: The p.G2765S pathogenic mutation (also known as c.8293G>A), located in coding exon 56 of the ATM gene, results from a G to A substitution at nucleotide position 8293. The glycine at codon 2765 is replaced by serine, an amino acid with similar properties. This residue resides within the PI-3 kinase functional domain of the ATM protein, and this alteration was demonstrated to result in a protein product that lacks ATM kinase activity, is deficient at the G2/M checkpoint, and interferes with the phosphorylation activity of wild-type ATM (Izatt L et al. Genes Chromosomes Cancer. 1999 Dec; 26(4):286-94; Barone G et al. Hum. Mutat. 2009 Aug; 30(8):1222-30). This alteration was also observed in 1/4112 breast cancer patients and 0/2399 healthy controls (Tavtigian SV et al. Am. J. Hum. Genet. 2009 Oct; 85(4):427-46). This variant is considered to be rare based on population cohorts in the Genome Aggregation Database (gnomAD). In addition, this alteration is predicted to be deleterious by in silico analysis. Based on the supporting evidence, this alteration is interpreted as a disease-causing mutation.

Natera, Inc.
Classification: Likely pathogenic for Ataxia-telangiectasia. Last evaluated: 2024-07-29. Review status: criteria provided, single submitter. Criteria: Natera Variant Classification Schema (03/2026). Collection method: clinical testing. Allele origin: germline.
Comment: The c.8293G>A variant in ATM is a missense variant predicted to cause substitution of glycine to serine at amino acid 2765. This variant is rare in the general population with a frequency below the threshold expected for the associated phenotype(s). This variant has been observed in one or more individuals affected with the associated recessive disease, as either homozygous or compound heterozygous with a second variant (PMID: 21792198). Functional studies show that this variant may disrupt protein function (PMID: 19431188). Computational prediction algorithms indicate this variant is likely to affect gene or protein function. Given the available evidence, this variant is classified as Likely Pathogenic.

GeneDx
Classification: Likely pathogenic. Last evaluated: 2024-07-05. Review status: criteria provided, single submitter. Criteria: GeneDx Variant Classification Process June 2021. Collection method: clinical testing. Allele origin: germline. Affected: yes.
Comment: Published functional studies demonstrate a damaging effect: no detectable kinase activity and defective G2/M checkpoint (PMID: 19431188); Not observed at significant frequency in large population cohorts (gnomAD); In silico analysis supports that this missense variant has a deleterious effect on protein structure/function; This variant is associated with the following publications: (PMID: 10534763, 23532176, 37438524, 21787400, 25040471, 15928302, 30612635, 29922827, 21792198, 19781682, 19431188)

Color Diagnostics, LLC DBA Color Health
Classification: Likely pathogenic for Hereditary cancer-predisposing syndrome. Last evaluated: 2024-02-12. Review status: criteria provided, single submitter. Criteria: ACMG Guidelines, 2015. Collection method: clinical testing. Allele origin: germline.
Comment: This missense variant replaces glycine with serine at codon 2765 of the ATM protein. Computational prediction suggests that this variant may have deleterious impact on protein structure and function. Functional studies have shown that this variant protein has no detectable kinase activity and leads to cell cycle checkpoint defect in cell-based assays (PMID: 19431188). This variant has been reported in the compound heterozygous state in individuals affected with ataxia telangiectasia (PMID: 21792198, 25040471). This variant has also been reported in individuals affected with breast cancer (PMID: 10534763, 19781682). This variant has been identified in 2/251386 chromosomes in the general population by the Genome Aggregation Database (gnomAD). Based on the available evidence, this variant is classified as Likely Pathogenic.

Myriad Genetics, Inc.
Classification: Likely pathogenic for Familial cancer of breast. Last evaluated: 2024-02-01. Review status: criteria provided, single submitter. Criteria: Myriad Autosomal Dominant, Autosomal Recessive and X-Linked Classification Criteria (2023). Collection method: clinical testing. Allele origin: unknown.
Comment: This variant is considered likely pathogenic. This variant has been reported in multiple individuals with clinical features of gene-specific disease [PMID: 21792198, 19431188, 37438524]. Functional studies indicate this variant impacts protein function [PMID: 21792198, 19431188].

Baylor Genetics
Classification: Likely pathogenic for Familial cancer of breast. Last evaluated: 2023-03-25. Review status: criteria provided, single submitter. Criteria: ACMG Guidelines, 2015. Collection method: clinical testing. Allele origin: unknown.

Literature cited by the submitters: PubMed 10534763 (cited by 4 submitters); PubMed 19781682 (cited by 4 submitters); PubMed 21792198 (cited by 6 submitters); PubMed 37438524 (cited by Labcorp Genetics (formerly Invitae), Labcorp and Myriad Genetics, Inc.); PubMed 19431188 (cited by 6 submitters); PubMed 21787400 (cited by Women's Health and Genetics/Laboratory Corporation of America, LabCorp and Ambry Genetics); PubMed 15928302 (cited by Women's Health and Genetics/Laboratory Corporation of America, LabCorp and Ambry Genetics); PubMed 22529920 (cited by Ambry Genetics); PubMed 25040471 (cited by Ambry Genetics and Color Diagnostics, LLC DBA Color Health); PubMed 29922827 (cited by Ambry Genetics); PubMed 30612635 (cited by Ambry Genetics).

NM_000051.4(ATM):c.8293G>A (p.Gly2765Ser)

Genes: ATM (ATM serine/threonine kinase; plus strand), C11orf65 (chromosome 11 open reading frame 65; minus strand). Cytogenetic location: 11q22.3.
Variant type: single nucleotide variant.
Coding change: c.8293G>A on transcript NM_000051.4 (MANE Select); coding-DNA position 8293, G replaced by A.
Protein change: p.Gly2765Ser; replaces glycine 2765 with serine.
Molecular consequence: missense variant. On other transcripts: intron variant (2).
Genome position (GRCh38, 1-based): chr11:108,343,246, G>A. VCF-style: chr11-108343246-G-A. GRCh37 (hg19) VCF-style: chr11-108213973-G-A.
Other names: c.8293G>A, p.Gly2765Ser (NM_001351834.2); c.641-34175C>T (NM_001330368.2); c.695-7954C>T (NM_001351110.2); short protein forms G2765S.
Identifiers: ClinVar variation 186351 (VCV000186351.19), dbSNP rs748634900, ClinGen allele CA194563.
Genomic context (GRCh38, chr11:108,343,246, plus strand): 5'-TTTTAAAATTAAAAGGTATTTAATCTGTAACTCCAGGTGGTTCCCCTCTCTCAGCGAAGT[G>A]GTGTTCTTGAATGGTGCACAGGAACTGTCCCCATTGGTGAATTTCTTGTTAACAATGAAG-3'
Protein context (NP_000042.3, residues 2755-2775): YKVVPLSQRS[Gly2765Ser]VLEWCTGTVP